The following is an entry in ClinVar:

NM_014319.5(LEMD3):c.1685C>T (p.Ala562Val)

Gene: LEMD3 (LEM domain containing 3; plus strand). Cytogenetic location: 12q14.3.
Variant type: single nucleotide variant.
Coding change: c.1685C>T on transcript NM_014319.5 (MANE Select); coding-DNA position 1685, C replaced by T.
Protein change: p.Ala562Val; replaces alanine 562 with valine.
Molecular consequence: missense variant.
Genome position (GRCh38, 1-based): chr12:65,218,609, C>T. VCF-style: chr12-65218609-C-T. GRCh37 (hg19) VCF-style: chr12-65612389-C-T.
Other names: c.1682C>T, p.Ala561Val (NM_001167614.2); short protein forms A561V, A562V.
Identifiers: ClinVar variation 1397038 (VCV001397038.8), dbSNP rs747793228, ClinGen allele CA6670997.

ClinVar aggregate classification (germline): Uncertain significance (1 of 4 stars; one submission).

Allele frequency attached by ClinVar (database versions not stated): gnomAD 0.00001; gnomAD exomes 0.00001; ExAC 0.00002; TOPMed 0.00002.

Submission:

Labcorp Genetics (formerly Invitae), Labcorp
Classification: Uncertain significance. Last evaluated: 2025-03-20. Review status: criteria provided, single submitter. Criteria: Invitae Variant Classification Sherloc (09022015). Collection method: clinical testing. Allele origin: germline.
Comment: This sequence change replaces alanine, which is neutral and non-polar, with valine, which is neutral and non-polar, at codon 562 of the LEMD3 protein (p.Ala562Val). The frequency data for this variant in the population databases is considered unreliable, as metrics indicate poor data quality at this position in the gnomAD database. This variant has not been reported in the literature in individuals affected with LEMD3-related conditions. ClinVar contains an entry for this variant (Variation ID: 1397038). Invitae Evidence Modeling of protein sequence and biophysical properties (such as structural, functional, and spatial information, amino acid conservation, physicochemical variation, residue mobility, and thermodynamic stability) indicates that this missense variant is not expected to disrupt LEMD3 protein function with a negative predictive value of 80%. In summary, the available evidence is currently insufficient to determine the role of this variant in disease. Therefore, it has been classified as a Variant of Uncertain Significance.